The following is an entry in ClinVar:

NM_053025.4(MYLK):c.1758G>C (p.Glu586Asp)

Gene: MYLK (myosin light chain kinase; minus strand). Cytogenetic location: 3q21.1.
Variant type: single nucleotide variant.
Coding change: c.1758G>C on transcript NM_053025.4 (MANE Select); coding-DNA position 1758, G replaced by C.
Protein change: p.Glu586Asp; replaces glutamic acid 586 with aspartic acid.
Molecular consequence: missense variant.
Genome position (GRCh38, 1-based): chr3:123,722,174, C>G on the plus strand (G>C on the coding strand, the complement: MYLK is on the minus strand). VCF-style: chr3-123722174-C-G. GRCh37 (hg19) VCF-style: chr3-123441021-C-G.
Other names: c.1230G>C, p.Glu410Asp (NM_001321309.2); c.1551G>C, p.Glu517Asp (NM_053026.4, NM_053028.4); c.1758G>C, p.Glu586Asp (NM_053027.4); short protein forms E586D, E517D, E410D.
Identifiers: ClinVar variation 1779517 (VCV001779517.2), dbSNP rs745946449, ClinGen allele CA067466.

ClinVar aggregate classification (germline): Uncertain significance (1 of 4 stars; one submission).

Conditions:
Familial thoracic aortic aneurysm and aortic dissection (TAAD). Also called: Thoracic aortic aneurysms and dissections. Identifiers: Orphanet 91387, MedGen C4707243, MONDO:0019625.

Allele frequency attached by ClinVar (database versions not stated): gnomAD exomes below 0.00001; TOPMed below 0.00001; gnomAD 0.00001.
gnomAD v4.1: 7 of 1,564,292 alleles (0.00045%); highest among the groups gnomAD compares: Non-Finnish European, 0.00061%; no homozygotes.

Submission:

Ambry Genetics
Classification: Uncertain significance for Familial thoracic aortic aneurysm and aortic dissection. Last evaluated: 2019-11-22. Review status: criteria provided, single submitter. Criteria: Ambry Variant Classification Scheme 2023. Collection method: clinical testing. Allele origin: germline.
Comment: The p.E586D variant (also known as c.1758G>C), located in coding exon 10 of the MYLK gene, results from a G to C substitution at nucleotide position 1758. The glutamic acid at codon 586 is replaced by aspartic acid, an amino acid with highly similar properties, and is located in the Ig-like C2-type 4 domain. This amino acid position is well conserved in available vertebrate species. In addition, this alteration is predicted to be tolerated by in silico analysis. Since supporting evidence is limited at this time, the clinical significance of this alteration remains unclear.